The following is an entry in ClinVar:

NM_006361.6(HOXB13):c.645C>G (p.Arg215=)

Gene: HOXB13 (homeobox B13; minus strand). Cytogenetic location: 17q21.32.
Variant type: single nucleotide variant.
Coding change: c.645C>G on transcript NM_006361.6 (MANE Select); coding-DNA position 645, C replaced by G.
Protein change: p.Arg215=; no amino-acid change (arginine 215 retained).
Molecular consequence: synonymous variant.
Genome position (GRCh38, 1-based): chr17:48,727,000, G>C on the plus strand (C>G on the coding strand, the complement: HOXB13 is on the minus strand). VCF-style: chr17-48727000-G-C. GRCh37 (hg19) VCF-style: chr17-46804362-G-C.
Identifiers: ClinVar variation 1119532 (VCV001119532.12), dbSNP rs931880786, ClinGen allele CA291349204.

ClinVar aggregate classification (germline): Benign/Likely benign. Review status: criteria provided, multiple submitters, no conflicts (2 of 4 stars). 3 submissions from 3 submitters: Benign (1); Likely benign (2). Last evaluated 2025-04-17.

Conditions:
Hereditary cancer-predisposing syndrome. Also called: Neoplastic Syndromes, Hereditary; Hereditary Cancer Syndrome; Hereditary neoplastic syndrome; Tumor predisposition. Identifiers: Orphanet 140162, MedGen C0027672, MeSH D009386, MONDO:0015356.
Prostate cancer, hereditary, 9 (HPC9). Identifiers: Orphanet 1331, MedGen C1970250, MONDO:0012597, OMIM 610997.

Submissions (3):

Labcorp Genetics (formerly Invitae), Labcorp
Classification: Likely benign. Last evaluated: 2025-04-17. Review status: criteria provided, single submitter. Criteria: Invitae Variant Classification Sherloc (09022015). Collection method: clinical testing. Allele origin: germline.

Myriad Genetics, Inc.
Classification: Benign for Prostate cancer, hereditary, 9. Last evaluated: 2024-10-30. Review status: criteria provided, single submitter. Criteria: Myriad Autosomal Dominant, Autosomal Recessive and X-Linked Classification Criteria (2023). Collection method: clinical testing. Allele origin: unknown.
Comment: This variant is considered benign. This variant is a silent/synonymous amino acid change and it is not expected to impact splicing.

Ambry Genetics
Classification: Likely benign for Hereditary cancer-predisposing syndrome. Last evaluated: 2020-06-22. Review status: criteria provided, single submitter. Criteria: Ambry Variant Classification Scheme 2023. Collection method: clinical testing. Allele origin: germline.